The following is an entry in ClinVar:

NM_003011.4(SET):c.561G>C (p.Glu187Asp)

Gene: SET (SET nuclear proto-oncogene; plus strand). Cytogenetic location: 9q34.11.
Variant type: single nucleotide variant.
Coding change: c.561G>C on transcript NM_003011.4 (MANE Select); coding-DNA position 561, G replaced by C.
Protein change: p.Glu187Asp; replaces glutamic acid 187 with aspartic acid.
Molecular consequence: missense variant.
Genome position (GRCh38, 1-based): chr9:128,693,706, G>C. VCF-style: chr9-128693706-G-C. GRCh37 (hg19) VCF-style: chr9-131455985-G-C.
Other names: c.600G>C, p.Glu200Asp (NM_001122821.2, NM_001374326.1); c.534G>C, p.Glu178Asp (NM_001248000.2); c.528G>C, p.Glu176Asp (NM_001248001.2); short protein forms E176D, E178D, E187D, E200D.
Identifiers: ClinVar variation 2442487 (VCV002442487.2), dbSNP rs2490440012, ClinGen allele CA375060897.

ClinVar aggregate classification (germline): Uncertain significance (1 of 4 stars; one submission).

Submission:

GeneDx
Classification: Uncertain significance. Last evaluated: 2024-05-28. Review status: criteria provided, single submitter. Criteria: GeneDx Variant Classification Process June 2021. Collection method: clinical testing. Allele origin: germline. Affected: yes.
Comment: Not observed at significant frequency in large population cohorts (gnomAD); In silico analysis supports that this missense variant does not alter protein structure/function; Has not been previously published as pathogenic or benign to our knowledge